The following is an entry in ClinVar:

ClinVar aggregate classification (germline): Benign/Likely benign. Review status: criteria provided, multiple submitters, no conflicts (2 of 4 stars). 2 submissions from 2 submitters: Benign (1); Likely benign (1). Last evaluated 2026-07-14.

Conditions:
Rhabdoid tumor predisposition syndrome 2 (RTPS2). Identifiers: Orphanet 231108, Orphanet 69077, MedGen C2750074, MONDO:0013224, OMIM 613325.

Submissions (2):

Myriad Genetics, Inc.
Classification: Benign for Rhabdoid tumor predisposition syndrome 2. Last evaluated: 2026-07-14. Review status: criteria provided, single submitter. Criteria: Myriad Autosomal Dominant, Autosomal Recessive and X-Linked Classification Criteria (2023). Collection method: clinical testing. Allele origin: unknown.
Comment: This variant is considered benign. This variant is a silent/synonymous amino acid change and it is not expected to impact splicing.

Labcorp Genetics (formerly Invitae), Labcorp
Classification: Likely benign for Rhabdoid tumor predisposition syndrome 2. Last evaluated: 2024-04-15. Review status: criteria provided, single submitter. Criteria: Invitae Variant Classification Sherloc (09022015). Collection method: clinical testing. Allele origin: germline.

NM_003072.5(SMARCA4):c.3390G>T (p.Thr1130=)

Gene: SMARCA4 (SWI/SNF related BAF chromatin remodeling complex subunit ATPase 4; plus strand). Cytogenetic location: 19p13.2.
Variant type: single nucleotide variant.
Coding change: c.3390G>T on transcript NM_003072.5 (MANE Select); coding-DNA position 3390, G replaced by T.
Protein change: p.Thr1130=; no amino-acid change (threonine 1130 retained).
Molecular consequence: synonymous variant. On other transcripts: non-coding transcript variant (1).
Genome position (GRCh38, 1-based): chr19:11,030,737, G>T. VCF-style: chr19-11030737-G-T. GRCh37 (hg19) VCF-style: chr19-11141413-G-T.
Other names: c.3390G>T, p.Thr1130= (NM_001128844.3, NM_001128845.2, NM_001128846.2 and 6 more transcripts).
Identifiers: ClinVar variation 3649901 (VCV003649901.3).